The following is an entry in ClinVar:

ClinVar aggregate classification (germline): Uncertain significance (1 of 4 stars; one submission).

Conditions:
Cardiovascular phenotype. Identifiers: MedGen CN230736.

Allele frequency attached by ClinVar (database versions not stated): gnomAD exomes below 0.00001.
gnomAD v4.1: 1 of 1,613,988 alleles (0.000062%); highest among the groups gnomAD compares: Non-Finnish European, 0.000085%; no homozygotes.

Submission:

Ambry Genetics
Classification: Uncertain significance for Cardiovascular phenotype. Last evaluated: 2022-05-30. Review status: criteria provided, single submitter. Criteria: Ambry Variant Classification Scheme 2023. Collection method: clinical testing. Allele origin: germline.
Comment: The p.G2R variant (also known as c.4G>C), located in coding exon 1 of the APOC2 gene, results from a G to C substitution at nucleotide position 4. The glycine at codon 2 is replaced by arginine, an amino acid with dissimilar properties. This amino acid position is conserved. In addition, this alteration is predicted to be tolerated by in silico analysis. Since supporting evidence is limited at this time, the clinical significance of this alteration remains unclear.

NM_000483.5(APOC2):c.4G>C (p.Gly2Arg)

Genes: APOC4-APOC2 (APOC4-APOC2 readthrough (NMD candidate); plus strand), APOC2 (apolipoprotein C2; plus strand). Cytogenetic location: 19q13.32.
Variant type: single nucleotide variant.
Coding change: c.4G>C on transcript NM_000483.5 (MANE Select); coding-DNA position 4, G replaced by C.
Protein change: p.Gly2Arg; replaces glycine 2 with arginine.
Molecular consequence: missense variant. On other transcripts: non-coding transcript variant (1).
Genome position (GRCh38, 1-based): chr19:44,948,482, G>C. VCF-style: chr19-44948482-G-C. GRCh37 (hg19) VCF-style: chr19-45451739-G-C.
Other names: short protein forms G2R.
Identifiers: ClinVar variation 1744708 (VCV001744708.2), dbSNP rs1970346812, ClinGen allele CA406291474.